The following is an entry in ClinVar:

ClinVar aggregate classification (germline): Uncertain significance (1 of 4 stars; one submission).

Allele frequency attached by ClinVar (database versions not stated): gnomAD exomes below 0.00001; TOPMed below 0.00001.
gnomAD v4.1: 4 of 1,610,782 alleles (0.00025%); highest among the groups gnomAD compares: Non-Finnish European, 0.00025%; no homozygotes.

Submission:

GeneDx
Classification: Uncertain significance. Last evaluated: 2023-10-25. Review status: criteria provided, single submitter. Criteria: GeneDx Variant Classification Process June 2021. Collection method: clinical testing. Allele origin: germline. Affected: yes.
Comment: Not observed at significant frequency in large population cohorts (gnomAD); In silico analysis supports that this missense variant has a deleterious effect on protein structure/function; Has not been previously published as pathogenic or benign to our knowledge

NM_021956.5(GRIK2):c.2576G>T (p.Ser859Ile)

Gene: GRIK2 (glutamate ionotropic receptor kainate type subunit 2; plus strand). Cytogenetic location: 6q16.3.
Variant type: single nucleotide variant.
Coding change: c.2576G>T on transcript NM_021956.5 (MANE Select); coding-DNA position 2576, G replaced by T.
Protein change: p.Ser859Ile; replaces serine 859 with isoleucine.
Molecular consequence: missense variant. On other transcripts: 3 prime UTR variant (2).
Genome position (GRCh38, 1-based): chr6:102,068,360, G>T. VCF-style: chr6-102068360-G-T. GRCh37 (hg19) VCF-style: chr6-102516235-G-T.
Other names: c.*29G>T (NM_001166247.1); c.*53G>T (NM_175768.3); short protein forms S859I.
Identifiers: ClinVar variation 3252601 (VCV003252601.1), dbSNP rs1772120459.